The following is an entry in ClinVar:

ClinVar aggregate classification (germline): Conflicting classifications of pathogenicity. Review status: criteria provided, conflicting classifications (1 of 4 stars). 3 submissions from 3 submitters: Uncertain significance (2); Likely benign (1). Last evaluated 2024-10-26.

Conditions:
LOXHD1-related disorder. Also called: LOXHD1-related condition.
Autosomal recessive nonsyndromic hearing loss 77. Identifiers: Orphanet 90636, MedGen C2746083, MONDO:0013119, OMIM 613079.

Allele frequency attached by ClinVar (database versions not stated): TOPMed 0.00002; gnomAD 0.00003 and 0.00008; ExAC 0.00009; gnomAD exomes 0.00015; 1000 Genomes Project 30x 0.00062; 1000 Genomes Project 0.00080.
gnomAD v4.1: 152 of 1,550,194 alleles (0.0098%); highest among the groups gnomAD compares: East Asian, 0.34%; no homozygotes.

Submissions (3):

PreventionGenetics, part of Exact Sciences
Classification: Likely benign for LOXHD1-related condition. Last evaluated: 2024-10-26. Review status: criteria provided, single submitter. Criteria: ACMG Guidelines, 2015. Collection method: clinical testing. Allele origin: germline.
Comment: This variant is classified as likely benign based on ACMG/AMP sequence variant interpretation guidelines (Richards et al. 2015 PMID: 25741868, with internal and published modifications).

Labcorp Genetics (formerly Invitae), Labcorp
Classification: Uncertain significance. Last evaluated: 2024-02-24. Review status: criteria provided, single submitter. Criteria: Invitae Variant Classification Sherloc (09022015). Collection method: clinical testing. Allele origin: germline.
Comment: This sequence change replaces glutamic acid, which is acidic and polar, with lysine, which is basic and polar, at codon 951 of the LOXHD1 protein (p.Glu951Lys). This variant is present in population databases (rs138190875, gnomAD 0.2%). This variant has not been reported in the literature in individuals affected with LOXHD1-related conditions. ClinVar contains an entry for this variant (Variation ID: 326854). An algorithm developed to predict the effect of missense changes on protein structure and function (PolyPhen-2) suggests that this variant¬†is likely to be tolerated. In summary, the available evidence is currently insufficient to determine the role of this variant in disease. Therefore, it has been classified as a Variant of Uncertain Significance.

Illumina Laboratory Services, Illumina
Classification: Uncertain significance for Autosomal recessive nonsyndromic hearing loss 77. Last evaluated: 2018-01-13. Review status: criteria provided, single submitter. Criteria: ICSL Variant Classification Criteria 13 December 2019. Collection method: clinical testing. Allele origin: germline.

NM_001384474.1(LOXHD1):c.2851G>A (p.Glu951Lys)

Gene: LOXHD1 (lipoxygenase homology PLAT domains 1; minus strand). Cytogenetic location: 18q21.1.
Variant type: single nucleotide variant.
Coding change: c.2851G>A on transcript NM_001384474.1 (MANE Select); coding-DNA position 2851, G replaced by A.
Protein change: p.Glu951Lys; replaces glutamic acid 951 with lysine.
Molecular consequence: missense variant.
Genome position (GRCh38, 1-based): chr18:46,560,293, C>T on the plus strand (G>A on the coding strand, the complement: LOXHD1 is on the minus strand). VCF-style: chr18-46560293-C-T. GRCh37 (hg19) VCF-style: chr18-44140256-C-T.
Other names: c.2851G>A, p.Glu951Lys (NM_144612.7); short protein forms E951K.
Identifiers: ClinVar variation 326854 (VCV000326854.8), dbSNP rs138190875, ClinGen allele CA8952608.